The following is an entry in ClinVar:

NM_145239.3(PRRT2):c.64G>A (p.Gly22Ser)

Genes: MVP-DT (MVP divergent transcript; minus strand), PRRT2 (proline rich transmembrane protein 2; plus strand). Cytogenetic location: 16p11.2.
Variant type: single nucleotide variant.
Coding change: c.64G>A on transcript NM_145239.3 (MANE Select); coding-DNA position 64, G replaced by A.
Protein change: p.Gly22Ser; replaces glycine 22 with serine.
Molecular consequence: missense variant.
Genome position (GRCh38, 1-based): chr16:29,813,118, G>A. VCF-style: chr16-29813118-G-A. GRCh37 (hg19) VCF-style: chr16-29824439-G-A.
Other names: c.64G>A (NM_145239.2); c.64G>A, p.Gly22Ser (NM_001256442.2, NM_001256443.2); short protein forms G22S.
Identifiers: ClinVar variation 1509228 (VCV001509228.8), dbSNP rs1900059601, ClinGen allele CA395477132.

ClinVar aggregate classification (germline): Uncertain significance. Review status: criteria provided, multiple submitters, no conflicts (2 of 4 stars). 3 submissions from 3 submitters: Uncertain significance (3). Last evaluated 2025-08-03.

Conditions:
Episodic kinesigenic dyskinesia (EKD). Also called: Paroxysmal kinesigenic dyskinesia. Identifiers: Orphanet 98809, MedGen C1868682, MONDO:0044202.
Inborn genetic diseases. Identifiers: MedGen C0950123, MeSH D030342.

Allele frequency attached by ClinVar (database versions not stated): gnomAD exomes below 0.00001; TOPMed below 0.00001; gnomAD 0.00001.

Submissions (3):

Labcorp Genetics (formerly Invitae), Labcorp
Classification: Uncertain significance for Episodic kinesigenic dyskinesia. Last evaluated: 2025-08-03. Review status: criteria provided, single submitter. Criteria: Invitae Variant Classification Sherloc (09022015). Collection method: clinical testing. Allele origin: germline.
Comment: This sequence change replaces glycine, which is neutral and non-polar, with serine, which is neutral and polar, at codon 22 of the PRRT2 protein (p.Gly22Ser). This variant is not present in population databases (gnomAD no frequency). This variant has not been reported in the literature in individuals affected with PRRT2-related conditions. ClinVar contains an entry for this variant (Variation ID: 1509228). Invitae Evidence Modeling of protein sequence and biophysical properties (such as structural, functional, and spatial information, amino acid conservation, physicochemical variation, residue mobility, and thermodynamic stability) indicates that this missense variant is not expected to disrupt PRRT2 protein function with a negative predictive value of 95%. In summary, the available evidence is currently insufficient to determine the role of this variant in disease. Therefore, it has been classified as a Variant of Uncertain Significance.

Ambry Genetics
Classification: Uncertain significance for Inborn genetic diseases. Last evaluated: 2024-04-01. Review status: criteria provided, single submitter. Criteria: Ambry Variant Classification Scheme 2023. Collection method: clinical testing. Allele origin: germline.

Women's Health and Genetics/Laboratory Corporation of America, LabCorp
Classification: Uncertain significance. Last evaluated: 2024-01-18. Review status: criteria provided, single submitter. Criteria: LabCorp Variant Classification Summary - May 2015. Collection method: clinical testing. Allele origin: germline.
Comment: Variant summary: PRRT2 c.64G>A (p.Gly22Ser) results in a non-conservative amino acid change in the encoded protein sequence. Four of five in-silico tools predict a benign effect of the variant on protein function. The variant was absent in 250968 control chromosomes. The available data on variant occurrences in the general population are insufficient to allow any conclusion about variant significance. To our knowledge, no occurrence of c.64G>A in individuals affected with Episodic Kinesigenic Dyskinesia 1 and no experimental evidence demonstrating its impact on protein function have been reported. ClinVar contains an entry for this variant (Variation ID: 1509228). Based on the evidence outlined above, the variant was classified as uncertain significance.